The following is an entry in ClinVar:

ClinVar aggregate classification (germline): Uncertain significance. Review status: criteria provided, multiple submitters, no conflicts (2 of 4 stars). 3 submissions from 3 submitters: Uncertain significance (3). Last evaluated 2025-06-02.

Conditions:
Fanconi anemia (FA). Also called: Fanconi's anemia. Identifiers: Orphanet 84, MedGen C0015625, MeSH D005199, MONDO:0019391.
Fanconi anemia complementation group P. Also called: SLX4-Related Fanconi Anemia. Identifiers: Orphanet 84, MedGen C3469542, MONDO:0013499, OMIM 613951.

Allele frequency attached by ClinVar (database versions not stated): gnomAD 0.00001; TOPMed 0.00001; ExAC 0.00003; gnomAD exomes 0.00003.
gnomAD v4.1: 31 of 1,612,636 alleles (0.0019%); highest among the groups gnomAD compares: Middle Eastern, 0.14%; 1 homozygote.

Submissions (3):

Labcorp Genetics (formerly Invitae), Labcorp
Classification: Uncertain significance for Fanconi anemia. Last evaluated: 2025-06-02. Review status: criteria provided, single submitter. Criteria: Invitae Variant Classification Sherloc (09022015). Collection method: clinical testing. Allele origin: germline.
Comment: This sequence change replaces arginine, which is basic and polar, with cysteine, which is neutral and slightly polar, at codon 749 of the SLX4 protein (p.Arg749Cys). This variant is present in population databases (rs753926402, gnomAD 0.007%). This variant has not been reported in the literature in individuals affected with SLX4-related conditions. ClinVar contains an entry for this variant (Variation ID: 1019646). An algorithm developed to predict the effect of missense changes on protein structure and function outputs the following: PolyPhen-2: "Benign". The cysteine amino acid residue is found in multiple mammalian species, which suggests that this missense change does not adversely affect protein function. In summary, the available evidence is currently insufficient to determine the role of this variant in disease. Therefore, it has been classified as a Variant of Uncertain Significance.

Fulgent Genetics
Classification: Uncertain significance for Fanconi anemia complementation group P. Last evaluated: 2022-03-22. Review status: criteria provided, single submitter. Criteria: ACMG Guidelines, 2015. Collection method: clinical testing. Allele origin: unknown.

Institute for Clinical Genetics, University Hospital TU Dresden, University Hospital TU Dresden
Classification: Uncertain significance. Last evaluated: 2021-11-03. Review status: criteria provided, single submitter. Criteria: ACMG Guidelines, 2015. Collection method: clinical testing. Allele origin: germline.

NM_032444.4(SLX4):c.2245C>T (p.Arg749Cys)

Gene: SLX4 (SLX4 structure-specific endonuclease subunit; minus strand). Cytogenetic location: 16p13.3.
Variant type: single nucleotide variant.
Coding change: c.2245C>T on transcript NM_032444.4 (MANE Select); coding-DNA position 2245, C replaced by T.
Protein change: p.Arg749Cys; replaces arginine 749 with cysteine.
Molecular consequence: missense variant.
Genome position (GRCh38, 1-based): chr16:3,592,781, G>A on the plus strand (C>T on the coding strand, the complement: SLX4 is on the minus strand). VCF-style: chr16-3592781-G-A. GRCh37 (hg19) VCF-style: chr16-3642782-G-A.
Other names: short protein forms R749C.
Identifiers: ClinVar variation 1019646 (VCV001019646.9), dbSNP rs753926402, ClinGen allele CA7866222.